The following is an entry in ClinVar:

NM_001394998.1(TANC2):c.2382T>A (p.Asp794Glu)

Gene: TANC2 (tetratricopeptide repeat, ankyrin repeat and coiled-coil containing 2; plus strand). Cytogenetic location: 17q23.3.
Variant type: single nucleotide variant.
Coding change: c.2382T>A on transcript NM_001394998.1 (MANE Select); coding-DNA position 2382, T replaced by A.
Protein change: p.Asp794Glu; replaces aspartic acid 794 with glutamic acid.
Molecular consequence: missense variant.
Genome position (GRCh38, 1-based): chr17:63,355,190, T>A. VCF-style: chr17-63355190-T-A. GRCh37 (hg19) VCF-style: chr17-61432551-T-A.
Other names: c.2160T>A, p.Asp720Glu (NM_001411076.1, NM_025185.4); short protein forms D720E, D794E.
Identifiers: ClinVar variation 2629257 (VCV002629257.8), dbSNP rs1221807877, ClinGen allele CA400524603.
Genomic context (GRCh38, chr17:63,355,190, plus strand): 5'-CTTTGACCGGGTGATGCCTCTCCTGAATGTGGCAGTGGCCTCTCTCCACCCACTGACTGA[T>A]GAGCATATCTTCCAGGCCATCAATGCTGGGAGCATTGAAGGCACACTAGAATGGGAGGAT-3'
Protein context (NP_001381927.1, residues 784-804): VAVASLHPLT[Asp794Glu]EHIFQAINAG

ClinVar aggregate classification (germline): Uncertain significance. Review status: criteria provided, multiple submitters, no conflicts (2 of 4 stars). 2 submissions from 2 submitters: Uncertain significance (2). Last evaluated 2025-10-01.

Conditions:
TANC2-related disorder. Also called: TANC2-related condition.

Allele frequency attached by ClinVar (database versions not stated): gnomAD 0.00001.
gnomAD v4.1: 6 of 1,613,730 alleles (0.00037%); highest among the groups gnomAD compares: Middle Eastern, 0.049%; no homozygotes.

Submissions (2):

CeGaT Center for Human Genetics Tuebingen
Classification: Uncertain significance. Last evaluated: 2025-10-01. Review status: criteria provided, single submitter. Criteria: CeGaT Center For Human Genetics Tuebingen Variant Classification Criteria Version 2. Collection method: clinical testing. Allele origin: germline. Affected: yes. Observed: 1 variant allele.
Comment: TANC2: PM2

PreventionGenetics, part of Exact Sciences
Classification: Uncertain significance for TANC2-related condition. Last evaluated: 2022-11-06. Review status: criteria provided, single submitter. Criteria: ACMG Guidelines, 2015. Collection method: clinical testing. Allele origin: germline.
Comment: The TANC2 c.2160T>A variant is predicted to result in the amino acid substitution p.Asp720Glu. To our knowledge, this variant has not been reported in the literature or in a large population database, indicating this variant is rare. At this time, the clinical significance of this variant is uncertain due to the absence of conclusive functional and genetic evidence.